The following is an entry in ClinVar:

NM_182961.4(SYNE1):c.17544G>A (p.Met5848Ile)

Gene: SYNE1 (spectrin repeat containing nuclear envelope protein 1; minus strand). Cytogenetic location: 6q25.2.
Variant type: single nucleotide variant.
Coding change: c.17544G>A on transcript NM_182961.4 (MANE Select); coding-DNA position 17544, G replaced by A.
Protein change: p.Met5848Ile; replaces methionine 5848 with isoleucine.
Molecular consequence: missense variant.
Genome position (GRCh38, 1-based): chr6:152,300,779, C>T on the plus strand (G>A on the coding strand, the complement: SYNE1 is on the minus strand). VCF-style: chr6-152300779-C-T. GRCh37 (hg19) VCF-style: chr6-152621914-C-T.
Other names: c.17331G>A, p.Met5777Ile (NM_033071.5); short protein forms M5848I, M5777I.
Identifiers: ClinVar variation 1504523 (VCV001504523.6), dbSNP rs766625615, ClinGen allele CA4055192.

ClinVar aggregate classification (germline): Uncertain significance (1 of 4 stars; one submission).

Conditions:
Autosomal recessive ataxia, Beauce type. Also called: SYNE1-Related Autosomal Recessive Cerebellar Ataxia; Spinocerebellar ataxia, autosomal recessive 8; ATAXIA, RECESSIVE, OF BEAUCE; SYNE1 Deficiency. Identifiers: Orphanet 88644, MedGen C1853116, MONDO:0012549, OMIM 610743.
Emery-Dreifuss muscular dystrophy 4, autosomal dominant (EDMD4). Also called: EMERY-DREIFUSS MUSCULAR DYSTROPHY 4 WITH VARIABLE FEATURES. Identifiers: Orphanet 261, MedGen C2751807, MONDO:0013071, OMIM 612998.

Allele frequency attached by ClinVar (database versions not stated): ExAC 0.00001; gnomAD exomes 0.00001.
gnomAD v4.1: 4 of 1,614,204 alleles (0.00025%); highest among the groups gnomAD compares: Admixed American, 0.0067%; no homozygotes.

Submission:

Labcorp Genetics (formerly Invitae), Labcorp
Classification: Uncertain significance for Emery-Dreifuss muscular dystrophy 4, autosomal dominant; Autosomal recessive ataxia, Beauce type. Last evaluated: 2024-10-22. Review status: criteria provided, single submitter. Criteria: Invitae Variant Classification Sherloc (09022015). Collection method: clinical testing. Allele origin: germline.
Comment: This sequence change replaces methionine, which is neutral and non-polar, with isoleucine, which is neutral and non-polar, at codon 5777 of the SYNE1 protein (p.Met5777Ile). This variant is present in population databases (rs766625615, gnomAD 0.006%). This variant has not been reported in the literature in individuals affected with SYNE1-related conditions. ClinVar contains an entry for this variant (Variation ID: 1504523). An algorithm developed to predict the effect of missense changes on protein structure and function (PolyPhen-2) suggests that this variant is likely to be disruptive. In summary, the available evidence is currently insufficient to determine the role of this variant in disease. Therefore, it has been classified as a Variant of Uncertain Significance.